The following is an entry in ClinVar:

ClinVar aggregate classification (germline): Conflicting classifications of pathogenicity. Review status: criteria provided, conflicting classifications (1 of 4 stars). 2 submissions from 2 submitters: Uncertain significance (1); Likely benign (1). Last evaluated 2025-09-11.

Allele frequency attached by ClinVar (database versions not stated): gnomAD exomes 0.00002; ExAC 0.00004; ESP Exome Variant Server 0.00023.
gnomAD v4.1: 17 of 1,613,580 alleles (0.0011%); highest among the groups gnomAD compares: African/African-American, 0.013%; no homozygotes.

Submissions (2):

Labcorp Genetics (formerly Invitae), Labcorp
Classification: Likely benign. Last evaluated: 2025-09-11. Review status: criteria provided, single submitter. Criteria: Invitae Variant Classification Sherloc (09022015). Collection method: clinical testing. Allele origin: germline.

GeneDx
Classification: Uncertain significance. Last evaluated: 2021-07-06. Review status: criteria provided, single submitter. Criteria: GeneDx Variant Classification Process June 2021. Collection method: clinical testing. Allele origin: germline. Affected: yes.
Comment: Has not been previously published as pathogenic or benign to our knowledge; In silico analysis, which includes splice predictors and evolutionary conservation, suggests this variant may impact gene splicing. In the absence of RNA/functional studies, the actual effect of this sequence change is unknown.; This variant is associated with the following publications: (PMID: 27535533)

NM_052867.4(NALCN):c.249G>A (p.Thr83=)

Gene: NALCN (sodium leak channel, non-selective; minus strand). Cytogenetic location: 13q33.1.
Variant type: single nucleotide variant.
Coding change: c.249G>A on transcript NM_052867.4 (MANE Select); coding-DNA position 249, G replaced by A.
Protein change: p.Thr83=; no amino-acid change (threonine 83 retained).
Molecular consequence: synonymous variant.
Genome position (GRCh38, 1-based): chr13:101,395,225, C>T on the plus strand (G>A on the coding strand, the complement: NALCN is on the minus strand). VCF-style: chr13-101395225-C-T. GRCh37 (hg19) VCF-style: chr13-102047576-C-T.
Other names: c.249G>A, p.Thr83= (NM_001350748.2, NM_001350749.2, NM_001350750.2 and 1 more transcripts).
Identifiers: ClinVar variation 1254182 (VCV001254182.7), dbSNP rs145910377, ClinGen allele CA7036519.